The following is an entry in ClinVar:

NM_005529.7(HSPG2):c.3292G>A (p.Ala1098Thr)

Gene: HSPG2 (heparan sulfate proteoglycan 2; minus strand). Cytogenetic location: 1p36.12.
Variant type: single nucleotide variant.
Coding change: c.3292G>A on transcript NM_005529.7 (MANE Select); coding-DNA position 3292, G replaced by A.
Protein change: p.Ala1098Thr; replaces alanine 1098 with threonine.
Molecular consequence: missense variant.
Genome position (GRCh38, 1-based): chr1:21,875,639, C>T on the plus strand (G>A on the coding strand, the complement: HSPG2 is on the minus strand). VCF-style: chr1-21875639-C-T. GRCh37 (hg19) VCF-style: chr1-22202132-C-T.
Other names: c.3295G>A, p.Ala1099Thr (NM_001291860.2); short protein forms A1098T, A1099T.
Identifiers: ClinVar variation 618173 (VCV000618173.32), dbSNP rs2501264, ClinGen allele CA672713.
Genomic context (GRCh38, chr1:21,875,639, plus strand): 5'-GGAGCCCCTCCCCAAGCCCATGCTGGTCCTCCTGCCCCGGCTCCAGACACCTGCTCTCAG[C>T]GGGCTGCTGGGCGTAGGATGCTCGGATCAGGAGGGTGTCGATGCCTGCCAGTGCCATCAG-3'
Protein context (NP_005520.4, residues 1088-1108): LIRASYAQQP[Ala1098Thr]ESRVSGISMD

ClinVar aggregate classification (germline): Benign/Likely benign. Review status: criteria provided, multiple submitters, no conflicts (2 of 4 stars). 8 submissions from 7 submitters: Benign (4); Likely benign (4). Last evaluated 2026-01-28.

Conditions:
Lethal Kniest-like syndrome (DDSH). Also called: Dyssegmental Dysplasia. Identifiers: Orphanet 1865, MedGen C1857100, MONDO:0009140, OMIM 224410.
Schwartz-Jampel syndrome. Also called: Myotonic myopathy dwarfism chondrodystrophy and ocular and facial abnormalities. Identifiers: Orphanet 800, MedGen C0036391, MONDO:0009717.

Allele frequency attached by ClinVar (database versions not stated): ExAC 0.00258; gnomAD 0.00657 and 0.00699; TOPMed 0.00743; ESP Exome Variant Server 0.00753; 1000 Genomes Project 0.00899; 1000 Genomes Project 30x 0.00984.
gnomAD v4.1: 2,724 of 1,601,374 alleles (0.17%); highest among the groups gnomAD compares: African/African-American, 2.3%; 30 homozygotes.

Submissions (8):

Labcorp Genetics (formerly Invitae), Labcorp
Classification: Benign. Last evaluated: 2026-01-28. Review status: criteria provided, single submitter. Criteria: Invitae Variant Classification Sherloc (09022015). Collection method: clinical testing. Allele origin: germline.

Athena Diagnostics
Classification: Benign. Last evaluated: 2024-10-08. Review status: criteria provided, single submitter. Criteria: Athena Diagnostics Criteria. Collection method: clinical testing. Allele origin: unknown.

ARUP Laboratories, Molecular Genetics and Genomics, ARUP Laboratories
Classification: Benign. Last evaluated: 2023-09-21. Review status: criteria provided, single submitter. Criteria: ARUP Molecular Germline Variant Investigation Process 2024. Collection method: clinical testing. Allele origin: germline.

GeneDx
Classification: Likely benign. Last evaluated: 2020-11-24. Review status: criteria provided, single submitter. Criteria: GeneDx Variant Classification Process June 2021. Collection method: clinical testing. Allele origin: germline. Affected: yes.

Dubai Health Genomic Medicine Center, Dubai Health
Classification: Benign. Last evaluated: 2019-12-30. Review status: criteria provided, single submitter. Criteria: ACMG Guidelines, 2015. Collection method: clinical testing. Allele origin: germline. Affected: yes.

Illumina Laboratory Services, Illumina
Classification: Likely benign for Schwartz-Jampel syndrome type 1. Last evaluated: 2017-04-27. Review status: criteria provided, single submitter. Criteria: ICSL Variant Classification Criteria 13 December 2019. Collection method: clinical testing. Allele origin: germline.
Comment: This variant was observed as part of a predisposition screen in an ostensibly healthy population. A literature search was performed for the gene, cDNA change, and amino acid change (where applicable). No publications were found based on this search. Allele frequency data from public databases allowed determination this variant is unlikely to cause disease. Therefore, this variant is classified as likely benign.

Illumina Laboratory Services, Illumina
Classification: Likely benign for Lethal Kniest-like syndrome. Last evaluated: 2017-04-27. Review status: criteria provided, single submitter. Criteria: ICSL Variant Classification Criteria 13 December 2019. Collection method: clinical testing. Allele origin: germline.
Comment: the same text as in the submission from Illumina Laboratory Services, Illumina above.

Breakthrough Genomics
Classification: Likely benign. Review status: criteria provided, single submitter. Criteria: ACMG Guidelines, 2015. Collection method: not provided. Allele origin: germline. Inheritance: Autosomal recessive inheritance. Affected: yes.